The following is an entry in ClinVar:

ClinVar aggregate classification (germline): Uncertain significance. Review status: criteria provided, multiple submitters, no conflicts (2 of 4 stars). 2 submissions from 2 submitters: Uncertain significance (2). Last evaluated 2025-09-22.

Conditions:
Hereditary cancer-predisposing syndrome. Also called: Tumor predisposition; Hereditary Cancer Syndrome; Neoplastic Syndromes, Hereditary; Hereditary neoplastic syndrome. Identifiers: Orphanet 140162, MedGen C0027672, MeSH D009386, MONDO:0015356.
Gorlin syndrome. Also called: Basal cell nevus syndrome; Nevoid Basal Cell Carcinoma Syndrome. Identifiers: Orphanet 377, MedGen C0004779, MONDO:0007187.

Submissions (2):

Ambry Genetics
Classification: Uncertain significance for Hereditary cancer-predisposing syndrome. Last evaluated: 2025-09-22. Review status: criteria provided, single submitter. Criteria: Ambry Variant Classification Scheme 2023. Collection method: clinical testing. Allele origin: germline.
Comment: The p.E653V variant (also known as c.1958A>T), located in coding exon 14 of the PTCH1 gene, results from an A to T substitution at nucleotide position 1958. The glutamic acid at codon 653 is replaced by valine, an amino acid with dissimilar properties. This amino acid position is well conserved in available vertebrate species. In addition, the in silico prediction for this alteration is inconclusive. Since supporting evidence is limited at this time, the clinical significance of this alteration remains unclear.

Labcorp Genetics (formerly Invitae), Labcorp
Classification: Uncertain significance for Gorlin syndrome. Last evaluated: 2025-02-26. Review status: criteria provided, single submitter. Criteria: Invitae Variant Classification Sherloc (09022015). Collection method: clinical testing. Allele origin: germline.
Comment: This sequence change replaces glutamic acid, which is acidic and polar, with valine, which is neutral and non-polar, at codon 653 of the PTCH1 protein (p.Glu653Val). This variant is not present in population databases (gnomAD no frequency). This variant has not been reported in the literature in individuals affected with PTCH1-related conditions. ClinVar contains an entry for this variant (Variation ID: 453806). Invitae Evidence Modeling of protein sequence and biophysical properties (such as structural, functional, and spatial information, amino acid conservation, physicochemical variation, residue mobility, and thermodynamic stability) indicates that this missense variant is not expected to disrupt PTCH1 protein function with a negative predictive value of 95%. In summary, the available evidence is currently insufficient to determine the role of this variant in disease. Therefore, it has been classified as a Variant of Uncertain Significance.

NM_000264.5(PTCH1):c.1958A>T (p.Glu653Val)

Genes: PTCH1 (patched 1; minus strand), LOC100507346 (uncharacterized LOC100507346; plus strand). Cytogenetic location: 9q22.32.
Variant type: single nucleotide variant.
Coding change: c.1958A>T on transcript NM_000264.5 (MANE Select); coding-DNA position 1958, A replaced by T.
Protein change: p.Glu653Val; replaces glutamic acid 653 with valine.
Molecular consequence: missense variant. On other transcripts: non-coding transcript variant (2).
Genome position (GRCh38, 1-based): chr9:95,469,043, T>A on the plus strand (A>T on the coding strand, the complement: PTCH1 is on the minus strand). VCF-style: chr9-95469043-T-A. GRCh37 (hg19) VCF-style: chr9-98231325-T-A.
Other names: c.1760A>T, p.Glu587Val (NM_001083602.3); c.1955A>T, p.Glu652Val (NM_001083603.3); c.1505A>T, p.Glu502Val (NM_001083604.3, NM_001083605.3, NM_001083606.3 and 1 more transcripts); c.1802A>T, p.Glu601Val (NM_001354918.2); short protein forms E653V, E587V, E601V, E652V, E502V.
Identifiers: ClinVar variation 453806 (VCV000453806.16), dbSNP rs1554695145, ClinGen allele CA374115958.